The following is an entry in ClinVar:

ClinVar aggregate classification (germline): Uncertain significance (1 of 4 stars; one submission).

Submission:

Labcorp Genetics (formerly Invitae), Labcorp
Classification: Uncertain significance. Last evaluated: 2023-02-16. Review status: criteria provided, single submitter. Criteria: Invitae Variant Classification Sherloc (09022015). Collection method: clinical testing. Allele origin: germline.
Comment: This sequence change creates a premature translational stop signal (p.Asn269Serfs*129) in the SAMD9 gene. While this is not anticipated to result in nonsense mediated decay, it is expected to disrupt the last 1321 amino acid(s) of the SAMD9 protein. This variant is not present in population databases (gnomAD no frequency). This variant has not been reported in the literature in individuals affected with SAMD9-related conditions. In summary, the available evidence is currently insufficient to determine the role of this variant in disease. Therefore, it has been classified as a Variant of Uncertain Significance.

NM_017654.4(SAMD9):c.806_809del (p.Asn269fs)

Gene: SAMD9 (sterile alpha motif domain containing 9; minus strand). Cytogenetic location: 7q21.2.
Variant type: Deletion.
Coding change: c.806_809del on transcript NM_017654.4 (MANE Select); coding-DNA positions 806 to 809, 4 bases deleted (ACAA; older notation c.806_809delACAA).
Protein change: p.Asn269fs; shifts the reading frame from asparagine 269.
Molecular consequence: frameshift variant.
Genome position (GRCh38, 1-based): chr7:93,105,289-93,105,292, TTGT deleted on the plus strand (ACAA on the coding strand, the reverse complement: SAMD9 is on the minus strand); deleting any 4 consecutive bases within chr7:93,105,289-93,105,294 gives the same sequence; the c. name uses the placement nearest the transcript's 3' end. VCF-style (leftmost placement, unchanged base first): chr7-93105288-CTTGT-C. GRCh37 (hg19) VCF-style: chr7-92734601-CTTGT-C.
Other names: c.806_809del, p.Asn269fs (NM_001193307.2); short protein forms N269fs.
Identifiers: ClinVar variation 2117573 (VCV002117573.4), dbSNP rs1159798037, ClinGen allele CA843914710.